The following is an entry in ClinVar:

NM_001267727.2(ARSG):c.278C>T (p.Thr93Ile)

Gene: ARSG (arylsulfatase G; plus strand). Cytogenetic location: 17q24.2.
Variant type: single nucleotide variant.
Coding change: c.278C>T on transcript NM_001267727.2 (MANE Select); coding-DNA position 278, C replaced by T.
Protein change: p.Thr93Ile; replaces threonine 93 with isoleucine.
Molecular consequence: missense variant.
Genome position (GRCh38, 1-based): chr17:68,343,663, C>T. VCF-style: chr17-68343663-C-T. GRCh37 (hg19) VCF-style: chr17-66339804-C-T.
Other names: c.278C>T, p.Thr93Ile (NM_001352899.2, NM_001352900.2, NM_001352901.2 and 9 more transcripts); short protein forms T93I.
Identifiers: ClinVar variation 1939649 (VCV001939649.2), dbSNP rs764675627, ClinGen allele CA8728150.

ClinVar aggregate classification (germline): Uncertain significance (1 of 4 stars; one submission).

Allele frequency attached by ClinVar (database versions not stated): TOPMed below 0.00001; ExAC 0.00001; gnomAD 0.00001.
gnomAD v4.1: 2 of 1,614,006 alleles (0.00012%); highest among the groups gnomAD compares: Non-Finnish European, 0.00017%; no homozygotes.

Submission:

Labcorp Genetics (formerly Invitae), Labcorp
Classification: Uncertain significance. Last evaluated: 2022-06-08. Review status: criteria provided, single submitter. Criteria: Invitae Variant Classification Sherloc (09022015). Collection method: clinical testing. Allele origin: germline.
Comment: This sequence change replaces threonine, which is neutral and polar, with isoleucine, which is neutral and non-polar, at codon 93 of the ARSG protein (p.Thr93Ile). This variant is present in population databases (rs764675627, gnomAD 0.0009%). This variant has not been reported in the literature in individuals affected with ARSG-related conditions. Algorithms developed to predict the effect of missense changes on protein structure and function are either unavailable or do not agree on the potential impact of this missense change (SIFT: "Deleterious"; PolyPhen-2: "Probably Damaging"; Align-GVGD: "Class C0"). In summary, the available evidence is currently insufficient to determine the role of this variant in disease. Therefore, it has been classified as a Variant of Uncertain Significance.